The following is an entry in ClinVar:

NM_001429.4(EP300):c.7197C>T (p.Asn2399=)

Gene: EP300 (EP300 lysine acetyltransferase; plus strand). Cytogenetic location: 22q13.2.
Variant type: single nucleotide variant.
Coding change: c.7197C>T on transcript NM_001429.4 (MANE Select); coding-DNA position 7197, C replaced by T.
Protein change: p.Asn2399=; no amino-acid change (asparagine 2399 retained).
Molecular consequence: synonymous variant.
Genome position (GRCh38, 1-based): chr22:41,178,908, C>T. VCF-style: chr22-41178908-C-T. GRCh37 (hg19) VCF-style: chr22-41574912-C-T.
Other names: c.7119C>T, p.Asn2373= (NM_001362843.2).
Identifiers: ClinVar variation 3037238 (VCV003037238.3), dbSNP rs1318815266, ClinGen allele CA514795207.
Genomic context (GRCh38, chr22:41,178,908, plus strand): 5'-TCCAGGCATGGCAAACCTCCATGGTGCAAGCGCCACGGACCTGGGACTCAGCACCGATAA[C>T]TCAGACTTGAATTCAAACCTCTCACAGAGTACACTAGACATACACTAGAGACACCTTGTA-3'
Protein context (NP_001420.2, residues 2389-2409): SATDLGLSTD[Asn2399=]SDLNSNLSQS

ClinVar aggregate classification (germline): Likely benign. Review status: criteria provided, single submitter (1 of 4 stars). 2 submissions from 2 submitters: Likely benign (1). 1 of the submissions does not count toward it. Last evaluated 2025-02-18.

Conditions:
Rubinstein-Taybi syndrome due to EP300 haploinsufficiency. Also called: EP300-Related Rubinstein-Taybi Syndrome; RUBINSTEIN-TAYBI SYNDROME 2. Identifiers: Orphanet 353284, Orphanet 783, MedGen C3150941, MONDO:0013364, OMIM 613684.
EP300-related disorder. Also called: EP300-related condition; EP300-related disorders.

Allele frequency attached by ClinVar (database versions not stated): gnomAD 0.00001; TOPMed 0.00003.
gnomAD v4.1: 8 of 1,614,112 alleles (0.0005%); highest among the groups gnomAD compares: Non-Finnish European, 0.00068%; no homozygotes.

Submissions (2):

Labcorp Genetics (formerly Invitae), Labcorp
Classification: Likely benign for Rubinstein-Taybi syndrome due to EP300 haploinsufficiency. Last evaluated: 2025-02-18. Review status: criteria provided, single submitter. Criteria: Invitae Variant Classification Sherloc (09022015). Collection method: clinical testing. Allele origin: germline.

PreventionGenetics, part of Exact Sciences
Classification: Likely benign for EP300-related condition. Last evaluated: 2019-05-09. Review status: no assertion criteria provided. Collection method: clinical testing. Allele origin: germline. Not counted in ClinVar's aggregate classification.
Comment: This variant is classified as likely benign based on ACMG/AMP sequence variant interpretation guidelines (Richards et al. 2015 PMID: 25741868, with internal and published modifications).